The following is an entry in ClinVar:

ClinVar aggregate classification (germline): Benign. Review status: criteria provided, multiple submitters, no conflicts (2 of 4 stars). 3 submissions from 3 submitters: Benign (3). Last evaluated 2025-10-10.

Conditions:
THBS1-related disorder. Also called: THBS1-related condition.

Allele frequency attached by ClinVar (database versions not stated): gnomAD exomes 0.00085 and 0.00234; ExAC 0.00295; 1000 Genomes Project 0.00879; 1000 Genomes Project 30x 0.00921; gnomAD 0.00937 and 0.01001; TOPMed 0.01041; ESP Exome Variant Server 0.01124.
gnomAD v4.1: 2,744 of 1,612,350 alleles (0.17%); highest among the groups gnomAD compares: African/African-American, 3.3%; 48 homozygotes.

Submissions (3):

PreventionGenetics, part of Exact Sciences
Classification: Benign for THBS1-related condition. Last evaluated: 2025-10-10. Review status: criteria provided, single submitter. Criteria: ACMG Guidelines, 2015. Collection method: clinical testing. Allele origin: germline.
Comment: This variant is classified as benign based on ACMG/AMP sequence variant interpretation guidelines (Richards et al. 2015 PMID: 25741868, with internal and published modifications).

Labcorp Genetics (formerly Invitae), Labcorp
Classification: Benign. Last evaluated: 2019-12-31. Review status: criteria provided, single submitter. Criteria: Invitae Variant Classification Sherloc (09022015). Collection method: clinical testing. Allele origin: germline.

Breakthrough Genomics
Classification: Benign. Review status: criteria provided, single submitter. Criteria: ACMG Guidelines, 2015. Collection method: not provided. Allele origin: germline. Inheritance: Unknown mechanism. Affected: yes.

NM_003246.4(THBS1):c.675C>T (p.Asp225=)

Gene: THBS1 (thrombospondin 1; plus strand). Cytogenetic location: 15q14.
Variant type: single nucleotide variant.
Coding change: c.675C>T on transcript NM_003246.4 (MANE Select); coding-DNA position 675, C replaced by T.
Protein change: p.Asp225=; no amino-acid change (aspartic acid 225 retained).
Molecular consequence: synonymous variant.
Genome position (GRCh38, 1-based): chr15:39,583,664, C>T. VCF-style: chr15-39583664-C-T. GRCh37 (hg19) VCF-style: chr15-39875865-C-T.
Identifiers: ClinVar variation 783707 (VCV000783707.6), dbSNP rs112782285, ClinGen allele CA7471709.